The following is an entry in ClinVar:

ClinVar aggregate classification (germline): Uncertain significance. Review status: criteria provided, multiple submitters, no conflicts (2 of 4 stars). 3 submissions from 3 submitters: Uncertain significance (3). Last evaluated 2025-09-17.

Conditions:
Neurodevelopmental disorder and structural brain anomalies with or without seizures and spasticity. Identifiers: MedGen C5394423, MONDO:0030046, OMIM 618890.
Inborn genetic diseases. Identifiers: MedGen C0950123, MeSH D030342.

Allele frequency attached by ClinVar (database versions not stated): gnomAD exomes 0.00001; TOPMed 0.00001; gnomAD 0.00001; ExAC 0.00002.
gnomAD v4.1: 23 of 1,613,938 alleles (0.0014%); highest among the groups gnomAD compares: South Asian, 0.0033%; no homozygotes.

Submissions (3):

Dasa
Classification: Uncertain significance for neurodevelopmental disorder and structural brain anomalies with or without seizures and spasticity. Last evaluated: 2025-09-17. Review status: criteria provided, single submitter. Criteria: DASA Assertion Criteria. Collection method: clinical testing. Allele origin: germline.
Comment: NM_015466.4(PTPN23):c.1099G>A (p.Glu367Lys) is a missense variant that results in the substitution of glutamic acid with lysine. This variant is rare in population databases. The currently available literature and clinical evidence are not sufficient to establish a definitive association between this variant and the reported condition. Therefore, this variant is classified as a variant of uncertain significance.

Ambry Genetics
Classification: Uncertain significance for Inborn genetic diseases. Last evaluated: 2025-03-22. Review status: criteria provided, single submitter. Criteria: Ambry Variant Classification Scheme 2023. Collection method: clinical testing. Allele origin: germline.

Labcorp Genetics (formerly Invitae), Labcorp
Classification: Uncertain significance. Last evaluated: 2022-07-27. Review status: criteria provided, single submitter. Criteria: Invitae Variant Classification Sherloc (09022015). Collection method: clinical testing. Allele origin: germline.
Comment: This sequence change replaces glutamic acid, which is acidic and polar, with lysine, which is basic and polar, at codon 367 of the PTPN23 protein (p.Glu367Lys). This variant is present in population databases (rs772232549, gnomAD 0.004%). This variant has not been reported in the literature in individuals affected with PTPN23-related conditions. Algorithms developed to predict the effect of missense changes on protein structure and function are either unavailable or do not agree on the potential impact of this missense change (SIFT: "Deleterious"; PolyPhen-2: "Not Available"; Align-GVGD: "Class C15"). In summary, the available evidence is currently insufficient to determine the role of this variant in disease. Therefore, it has been classified as a Variant of Uncertain Significance.

NM_015466.4(PTPN23):c.1099G>A (p.Glu367Lys)

Gene: PTPN23 (protein tyrosine phosphatase non-receptor type 23; plus strand). Cytogenetic location: 3p21.31.
Variant type: single nucleotide variant.
Coding change: c.1099G>A on transcript NM_015466.4 (MANE Select); coding-DNA position 1099, G replaced by A.
Protein change: p.Glu367Lys; replaces glutamic acid 367 with lysine.
Molecular consequence: missense variant.
Genome position (GRCh38, 1-based): chr3:47,407,792, G>A. VCF-style: chr3-47407792-G-A. GRCh37 (hg19) VCF-style: chr3-47449282-G-A.
Other names: c.721G>A, p.Glu241Lys (NM_001304482.2); c.1099G>A (NM_015466.2); short protein forms E241K, E367K.
Identifiers: ClinVar variation 2040031 (VCV002040031.4), dbSNP rs772232549, ClinGen allele CA2365622.